The following is an entry in ClinVar:

NM_144991.3(TSPEAR):c.635G>A (p.Gly212Glu)

Gene: TSPEAR (thrombospondin type laminin G domain and EAR repeats; minus strand). Cytogenetic location: 21q22.3.
Variant type: single nucleotide variant.
Coding change: c.635G>A on transcript NM_144991.3 (MANE Select); coding-DNA position 635, G replaced by A.
Protein change: p.Gly212Glu; replaces glycine 212 with glutamic acid.
Molecular consequence: missense variant.
Genome position (GRCh38, 1-based): chr21:44,529,953, C>T on the plus strand (G>A on the coding strand, the complement: TSPEAR is on the minus strand). VCF-style: chr21-44529953-C-T. GRCh37 (hg19) VCF-style: chr21-45949836-C-T.
Other names: c.431G>A, p.Gly144Glu (NM_001272037.2); short protein forms G144E, G212E.
Identifiers: ClinVar variation 2416312 (VCV002416312.7), dbSNP rs782559088, ClinGen allele CA10056898.

ClinVar aggregate classification (germline): Uncertain significance. Review status: criteria provided, multiple submitters, no conflicts (2 of 4 stars). 2 submissions from 2 submitters: Uncertain significance (2). Last evaluated 2025-01-27.

Allele frequency attached by ClinVar (database versions not stated): gnomAD 0.00001; TOPMed 0.00002; ExAC 0.00004.
gnomAD v4.1: 80 of 1,593,520 alleles (0.005%); highest among the groups gnomAD compares: Non-Finnish European, 0.0066%; no homozygotes.

Submissions (2):

Labcorp Genetics (formerly Invitae), Labcorp
Classification: Uncertain significance. Last evaluated: 2025-01-27. Review status: criteria provided, single submitter. Criteria: Invitae Variant Classification Sherloc (09022015). Collection method: clinical testing. Allele origin: germline.
Comment: This sequence change replaces glycine, which is neutral and non-polar, with glutamic acid, which is acidic and polar, at codon 212 of the TSPEAR protein (p.Gly212Glu). This variant is present in population databases (rs782559088, gnomAD 0.005%). This missense change has been observed in individual(s) with clinical features of ectodermal dysplasia (internal data). In at least one individual the data is consistent with being in trans (on the opposite chromosome) from a pathogenic variant. ClinVar contains an entry for this variant (Variation ID: 2416312). An algorithm developed to predict the effect of missense changes on protein structure and function (PolyPhen-2) suggests that this variant is likely to be disruptive. In summary, the available evidence is currently insufficient to determine the role of this variant in disease. Therefore, it has been classified as a Variant of Uncertain Significance.

Blueprint Genetics
Classification: Uncertain significance. Last evaluated: 2020-04-30. Review status: criteria provided, single submitter. Criteria: ACMG Guidelines, 2015. Collection method: clinical testing. Allele origin: germline.